The following is an entry in ClinVar:

NM_000388.4(CASR):c.2864G>A (p.Arg955Gln)

Gene: CASR (calcium sensing receptor; plus strand). Cytogenetic location: 3q21.1.
Variant type: single nucleotide variant.
Coding change: c.2864G>A on transcript NM_000388.4 (MANE Select); coding-DNA position 2864, G replaced by A.
Protein change: p.Arg955Gln; replaces arginine 955 with glutamine.
Molecular consequence: missense variant.
Genome position (GRCh38, 1-based): chr3:122,284,818, G>A. VCF-style: chr3-122284818-G-A. GRCh37 (hg19) VCF-style: chr3-122003665-G-A.
Other names: c.2894G>A, p.Arg965Gln (NM_001178065.2); short protein forms R955Q, R965Q.
Identifiers: ClinVar variation 532607 (VCV000532607.10), dbSNP rs866599196, ClinGen allele CA82749315.

ClinVar aggregate classification (germline): Uncertain significance (1 of 4 stars; one submission).

Conditions:
Familial hypocalciuric hypercalcemia (FHH). Also called: Familial benign hypercalcemia. Identifiers: Orphanet 405, MedGen C1809471, MONDO:0018458.
Autosomal dominant hypocalcemia 1 (HYPOC1). Also called: HYPOCALCEMIA, FAMILIAL. Identifiers: MedGen C3715128, MONDO:0011013, OMIM 601198.

Allele frequency attached by ClinVar (database versions not stated): gnomAD exomes below 0.00001; gnomAD 0.00001; 1000 Genomes Project 30x 0.00016.
gnomAD v4.1: 8 of 1,614,110 alleles (0.0005%); highest among the groups gnomAD compares: Admixed American, 0.005%; no homozygotes.

Submission:

Labcorp Genetics (formerly Invitae), Labcorp
Classification: Uncertain significance for Familial hypocalciuric hypercalcemia; Autosomal dominant hypocalcemia 1. Last evaluated: 2025-12-13. Review status: criteria provided, single submitter. Criteria: Invitae Variant Classification Sherloc (09022015). Collection method: clinical testing. Allele origin: germline.
Comment: This sequence change replaces arginine, which is basic and polar, with glutamine, which is neutral and polar, at codon 955 of the CASR protein (p.Arg955Gln). This variant is not present in population databases (gnomAD no frequency). This variant has not been reported in the literature in individuals affected with CASR-related conditions. ClinVar contains an entry for this variant (Variation ID: 532607). An algorithm developed to predict the effect of missense changes on protein structure and function outputs the following: PolyPhen-2: "Benign". The glutamine amino acid residue is found in multiple mammalian species, which suggests that this missense change does not adversely affect protein function. In summary, the available evidence is currently insufficient to determine the role of this variant in disease. Therefore, it has been classified as a Variant of Uncertain Significance.